The following is an entry in ClinVar:

NM_003590.5(CUL3):c.2092G>A (p.Asp698Asn)

Gene: CUL3 (cullin 3; minus strand). Cytogenetic location: 2q36.2.
Variant type: single nucleotide variant.
Coding change: c.2092G>A on transcript NM_003590.5 (MANE Select); coding-DNA position 2092, G replaced by A.
Protein change: p.Asp698Asn; replaces aspartic acid 698 with asparagine.
Molecular consequence: missense variant.
Genome position (GRCh38, 1-based): chr2:224,478,283, C>T on the plus strand (G>A on the coding strand, the complement: CUL3 is on the minus strand). VCF-style: chr2-224478283-C-T. GRCh37 (hg19) VCF-style: chr2-225343000-C-T.
Other names: c.1894G>A, p.Asp632Asn (NM_001257197.2); c.2110G>A, p.Asp704Asn (NM_001257198.2); short protein forms D632N, D698N, D704N.
Identifiers: ClinVar variation 1805100 (VCV001805100.7), dbSNP rs371342121, ClinGen allele CA2139842.
Genomic context (GRCh38, chr2:224,478,283, plus strand): 5'-GCATCTTCTTTCTAGATTTCATTATCCGCACTATAGCAGCTTCTATCTCATGTTTTCTGT[C>T]GTCGTCTACTTTCTGCCTTGTTTCTTTCCTCTCTGGGTCGGATTCACCTTGTTTGGCAGC-3'
Protein context (NP_003581.1, residues 688-708): RKETRQKVDD[Asp698Asn]RKHEIEAAIV

ClinVar aggregate classification (germline): Uncertain significance. Review status: criteria provided, multiple submitters, no conflicts (2 of 4 stars). 3 submissions from 3 submitters: Uncertain significance (3). Last evaluated 2024-05-09.

Conditions:
Neurodevelopmental disorder with or without autism or seizures (NEDAUS). Identifiers: MedGen C5543225, MONDO:0030994, OMIM 619239.
Pseudohypoaldosteronism type 2E (PHA2E). Also called: Pseudohypoaldosteronism Type IIE. Identifiers: Orphanet 300530, Orphanet 757, MedGen C3469606, MONDO:0013782, OMIM 614496.

Allele frequency attached by ClinVar (database versions not stated): ExAC 0.00001; gnomAD 0.00001; gnomAD exomes 0.00001; TOPMed 0.00001; ESP Exome Variant Server 0.00008.
gnomAD v4.1: 11 of 1,613,624 alleles (0.00068%); highest among the groups gnomAD compares: African/African-American, 0.0013%; no homozygotes.

Submissions (3):

Fulgent Genetics
Classification: Uncertain significance for Pseudohypoaldosteronism type 2E; Neurodevelopmental disorder with or without autism or seizures. Last evaluated: 2024-05-09. Review status: criteria provided, single submitter. Criteria: ACMG Guidelines, 2015. Collection method: clinical testing. Allele origin: germline.

Labcorp Genetics (formerly Invitae), Labcorp
Classification: Uncertain significance. Last evaluated: 2022-08-06. Review status: criteria provided, single submitter. Criteria: Invitae Variant Classification Sherloc (09022015). Collection method: clinical testing. Allele origin: germline.
Comment: In summary, the available evidence is currently insufficient to determine the role of this variant in disease. Therefore, it has been classified as a Variant of Uncertain Significance. Algorithms developed to predict the effect of missense changes on protein structure and function are either unavailable or do not agree on the potential impact of this missense change (SIFT: "Deleterious"; PolyPhen-2: "Possibly Damaging"; Align-GVGD: "Class C0"). This variant is also known as c.2110G>A. This missense change has been observed in individual(s) with neurodevelopmental disorder (PMID: 33004838). This variant is present in population databases (rs371342121, gnomAD 0.007%). This sequence change replaces aspartic acid, which is acidic and polar, with asparagine, which is neutral and polar, at codon 698 of the CUL3 protein (p.Asp698Asn).

Victorian Clinical Genetics Services, Murdoch Childrens Research Institute
Classification: Uncertain significance for Neurodevelopmental disorder with or without autism or seizures. Last evaluated: 2022-03-31. Review status: criteria provided, single submitter. Criteria: ACMG Guidelines, 2015. Collection method: clinical testing. Allele origin: germline. Inheritance: Autosomal dominant inheritance. Affected: yes.
Comment: Based on the classification scheme VCGS_Germline_v1.3.4, this variant is classified as VUS-3C. Following criteria are met: 0102 - Loss of function is a mechanism of disease in this gene and is associated with neurodevelopmental disorder with or without autism or seizures (MIM#619239) and pseudohypoaldosteronism, type IIE (MIM#614496). It should be noted that there is currently only one study demonstrating loss of function as a likely mechanism for missense variants in this gene (PMID: 32341456). (I) 0107 - This gene is associated with autosomal dominant disease. (I) 0115 - Variants in this gene are known to have variable expressivity and associated with neurodevelopmental disorder with or without autism or seizures (OMIM). (I) 0200 - Variant is predicted to result in a missense amino acid change from aspartic acid to asparagine. (I) 0251 - This variant is heterozygous. (I) 0302 - Variant is present in gnomAD <0.001 for a dominant condition (2 heterozygotes, 0 homozygotes). (SP) 0502 - Missense variant with conflicting in silico predictions and uninformative conservation. (I) 0600 - Variant is located in the annotated Cullin protein neddylation domain (DECIPHER). (I) 0705 - No comparable missense variants have previous evidence for pathogenicity. (I) 0807 - This variant has no previous evidence of pathogenicity. (I) 0905 - No published segregation evidence has been identified for this variant. (I) 1007 - No published functional evidence has been identified for this variant. (I) Legend: (SP) - Supporting pathogenic, (I) - Information, (SB) - Supporting benign

Literature cited by the submitters: PubMed 33004838 (cited by Labcorp Genetics (formerly Invitae), Labcorp); PubMed 32341456 (cited by Victorian Clinical Genetics Services, Murdoch Childrens Research Institute).